The following is an entry in ClinVar:

ClinVar aggregate classification (germline): Uncertain significance (1 of 4 stars; one submission).

Submission:

Labcorp Genetics (formerly Invitae), Labcorp
Classification: Uncertain significance. Last evaluated: 2022-07-19. Review status: criteria provided, single submitter. Criteria: Invitae Variant Classification Sherloc (09022015). Collection method: clinical testing. Allele origin: germline.
Comment: In summary, the available evidence is currently insufficient to determine the role of this variant in disease. Therefore, it has been classified as a Variant of Uncertain Significance. Algorithms developed to predict the effect of missense changes on protein structure and function output the following: SIFT: "Not Available"; PolyPhen-2: "Possibly Damaging"; Align-GVGD: "Not Available". The leucine amino acid residue is found in multiple mammalian species, which suggests that this missense change does not adversely affect protein function. This variant has not been reported in the literature in individuals affected with POC5-related conditions. This variant is not present in population databases (gnomAD no frequency). This sequence change replaces isoleucine, which is neutral and non-polar, with leucine, which is neutral and non-polar, at codon 315 of the POC5 protein (p.Ile315Leu).

NM_001099271.2(POC5):c.943A>C (p.Ile315Leu)

Gene: POC5 (POC5 centriolar protein; minus strand). Cytogenetic location: 5q13.3.
Variant type: single nucleotide variant.
Coding change: c.943A>C on transcript NM_001099271.2 (MANE Select); coding-DNA position 943, A replaced by C.
Protein change: p.Ile315Leu; replaces isoleucine 315 with leucine.
Molecular consequence: missense variant.
Genome position (GRCh38, 1-based): chr5:75,690,415, T>G on the plus strand (A>C on the coding strand, the complement: POC5 is on the minus strand). VCF-style: chr5-75690415-T-G. GRCh37 (hg19) VCF-style: chr5-74986240-T-G.
Other names: c.868A>C, p.Ile290Leu (NM_152408.3); short protein forms I315L, I290L.
Identifiers: ClinVar variation 1980586 (VCV001980586.4), dbSNP rs2478826551, ClinGen allele CA360146317.